The following is an entry in ClinVar:

ClinVar aggregate classification (germline): Uncertain significance (1 of 4 stars; one submission).

Allele frequency attached by ClinVar (database versions not stated): gnomAD exomes 0.00001; TOPMed 0.00002; gnomAD 0.00002.
gnomAD v4.1: 10 of 1,613,644 alleles (0.00062%); highest among the groups gnomAD compares: Non-Finnish European, 0.00085%; no homozygotes.

Submission:

Labcorp Genetics (formerly Invitae), Labcorp
Classification: Uncertain significance. Last evaluated: 2025-04-22. Review status: criteria provided, single submitter. Criteria: Invitae Variant Classification Sherloc (09022015). Collection method: clinical testing. Allele origin: germline.
Comment: This sequence change affects a donor splice site in intron 2 of the IL12RB2 gene. It is expected to disrupt RNA splicing. Variants that disrupt the donor or acceptor splice site typically lead to a loss of protein function (PMID: 16199547), however the current clinical and genetic evidence is not sufficient to establish whether loss-of-function variants in IL12RB2 cause disease. This variant is not present in population databases (gnomAD no frequency). This variant has not been reported in the literature in individuals affected with IL12RB2-related conditions. ClinVar contains an entry for this variant (Variation ID: 2731557). Algorithms developed to predict the effect of sequence changes on RNA splicing suggest that this variant may disrupt the consensus splice site. In summary, the available evidence is currently insufficient to determine the role of this variant in disease. Therefore, it has been classified as a Variant of Uncertain Significance.

Literature cited by the submitters: PubMed 16199547.

NM_001374259.2(IL12RB2):c.76+1G>T

Gene: IL12RB2 (interleukin 12 receptor subunit beta 2; plus strand). Cytogenetic location: 1p31.3.
Variant type: single nucleotide variant.
Coding change: c.76+1G>T on transcript NM_001374259.2 (MANE Select); the canonical splice donor site of the intron after coding-DNA position 76, G replaced by T.
Molecular consequence: splice donor variant.
Genome position (GRCh38, 1-based): chr1:67,320,445, G>T. VCF-style: chr1-67320445-G-T. GRCh37 (hg19) VCF-style: chr1-67786128-G-T.
Other names: c.76+1G>T (NM_001258214.1, NM_001319233.1, NM_001258216.1 and 2 more transcripts).
Identifiers: ClinVar variation 2731557 (VCV002731557.3), dbSNP rs1292686164, ClinGen allele CA340730235.